The following is an entry in ClinVar:

ClinVar aggregate classification (germline): Benign/Likely benign. Review status: criteria provided, multiple submitters, no conflicts (2 of 4 stars). 5 submissions from 4 submitters: Benign (4); Likely benign (1). Last evaluated 2024-11-21.

Conditions:
Lethal Kniest-like syndrome (DDSH). Also called: Dyssegmental Dysplasia. Identifiers: Orphanet 1865, MedGen C1857100, MONDO:0009140, OMIM 224410.
Schwartz-Jampel syndrome. Also called: Myotonic myopathy dwarfism chondrodystrophy and ocular and facial abnormalities. Identifiers: Orphanet 800, MedGen C0036391, MONDO:0009717.

Allele frequency attached by ClinVar (database versions not stated): 1000 Genomes Project 0.05731; ESP Exome Variant Server 0.00815; gnomAD exomes 0.01459 and 0.03399; gnomAD 0.01521 and 0.01866; TOPMed 0.02098; ExAC 0.03329; 1000 Genomes Project 30x 0.05450.
gnomAD v4.1: 24,697 of 1,613,354 alleles (1.5%); highest among the groups gnomAD compares: East Asian, 18%; 1,099 homozygotes.

Submissions (5):

Blueprint Genetics
Classification: Likely benign. Last evaluated: 2024-11-21. Review status: criteria provided, single submitter. Criteria: ACMG Guidelines, 2015. Collection method: clinical testing. Allele origin: germline.

GeneDx
Classification: Benign. Last evaluated: 2018-09-20. Review status: criteria provided, single submitter. Criteria: GeneDx Variant Classification Process June 2021. Collection method: clinical testing. Allele origin: germline. Affected: yes.

Illumina Laboratory Services, Illumina
Classification: Benign for Lethal Kniest-like syndrome. Last evaluated: 2018-01-13. Review status: criteria provided, single submitter. Criteria: ICSL Variant Classification Criteria 13 December 2019. Collection method: clinical testing. Allele origin: germline.
Comment: This variant was observed in the ICSL laboratory as part of a predisposition screen in an ostensibly healthy population. It had not been previously curated by ICSL or reported in the Human Gene Mutation Database (HGMD: prior to June 1st, 2018), and was therefore a candidate for classification through an automated scoring system. Utilizing variant allele frequency, disease prevalence and penetrance estimates, and inheritance mode, an automated score was calculated to assess if this variant is too frequent to cause the disease. Based on the score and internal cut-off values, a variant classified as benign is not then subjected to further curation. The score for this variant resulted in a classification of benign for this disease.

Illumina Laboratory Services, Illumina
Classification: Benign for Schwartz-Jampel syndrome type 1. Last evaluated: 2018-01-13. Review status: criteria provided, single submitter. Criteria: ICSL Variant Classification Criteria 13 December 2019. Collection method: clinical testing. Allele origin: germline.
Comment: the same text as in the submission from Illumina Laboratory Services, Illumina above.

Breakthrough Genomics
Classification: Benign. Review status: criteria provided, single submitter. Criteria: ACMG Guidelines, 2015. Collection method: not provided. Allele origin: germline. Inheritance: Autosomal recessive inheritance. Affected: yes.

NM_005529.7(HSPG2):c.9329-8C>T

Gene: HSPG2 (heparan sulfate proteoglycan 2; minus strand). Cytogenetic location: 1p36.12.
Variant type: single nucleotide variant.
Coding change: c.9329-8C>T on transcript NM_005529.7 (MANE Select); 8 bases into the intron before coding-DNA position 9329, C replaced by T.
Molecular consequence: intron variant.
Genome position (GRCh38, 1-based): chr1:21,841,293, G>A on the plus strand (C>T on the coding strand, the complement: HSPG2 is on the minus strand). VCF-style: chr1-21841293-G-A. GRCh37 (hg19) VCF-style: chr1-22167786-G-A.
Other names: c.9332-8C>T (NM_001291860.2).
Identifiers: ClinVar variation 295761 (VCV000295761.8), dbSNP rs2270696, ClinGen allele CA670473.